The following is an entry in ClinVar:

ClinVar aggregate classification (germline): Uncertain significance. Review status: criteria provided, multiple submitters, no conflicts (2 of 4 stars). 2 submissions from 2 submitters: Uncertain significance (2). Last evaluated 2025-09-02.

Conditions:
Neuroblastoma, susceptibility to, 3. Also called: ALK-Related Neuroblastic Tumor Susceptibility. Identifiers: Orphanet 635, MedGen C2751681, MONDO:0013083, OMIM 613014.
Hereditary cancer-predisposing syndrome. Also called: Neoplastic Syndromes, Hereditary; Hereditary neoplastic syndrome; Hereditary Cancer Syndrome; Tumor predisposition. Identifiers: Orphanet 140162, MedGen C0027672, MeSH D009386, MONDO:0015356.

Allele frequency attached by ClinVar (database versions not stated): gnomAD exomes below 0.00001 and 0.00001; ExAC 0.00001; TOPMed 0.00002; gnomAD 0.00004; 1000 Genomes Project 30x 0.00016; 1000 Genomes Project 0.00020.
gnomAD v4.1: 10 of 1,613,676 alleles (0.00062%); highest among the groups gnomAD compares: African/African-American, 0.013%; no homozygotes.

Submissions (2):

Labcorp Genetics (formerly Invitae), Labcorp
Classification: Uncertain significance for Neuroblastoma, susceptibility to, 3. Last evaluated: 2025-09-02. Review status: criteria provided, single submitter. Criteria: Invitae Variant Classification Sherloc (09022015). Collection method: clinical testing. Allele origin: germline.
Comment: This sequence change replaces serine, which is neutral and polar, with glycine, which is neutral and non-polar, at codon 1216 of the ALK protein (p.Ser1216Gly). This variant is present in population databases (rs543229475, gnomAD 0.007%). This variant has not been reported in the literature in individuals affected with ALK-related conditions. ClinVar contains an entry for this variant (Variation ID: 947154). An algorithm developed to predict the effect of missense changes on protein structure and function (PolyPhen-2) suggests that this variant is likely to be tolerated. In summary, the available evidence is currently insufficient to determine the role of this variant in disease. Therefore, it has been classified as a Variant of Uncertain Significance.

Ambry Genetics
Classification: Uncertain significance for Hereditary cancer-predisposing syndrome. Last evaluated: 2024-05-04. Review status: criteria provided, single submitter. Criteria: Ambry Variant Classification Scheme 2023. Collection method: clinical testing. Allele origin: germline.
Comment: The p.S1216G variant (also known as c.3646A>G) is located in coding exon 24 of the ALK gene. The serine at codon 1216 is replaced by glycine, an amino acid with similar properties. This change occurs in the first base pair of coding exon 24. This amino acid position is not well conserved in available vertebrate species. In addition, this alteration is predicted to be tolerated by in silico analysis. Since supporting evidence is limited at this time, the clinical significance of this alteration remains unclear.

NM_004304.5(ALK):c.3646A>G (p.Ser1216Gly)

Gene: ALK (ALK receptor tyrosine kinase; minus strand). Cytogenetic location: 2p23.2.
Variant type: single nucleotide variant.
Coding change: c.3646A>G on transcript NM_004304.5 (MANE Select); coding-DNA position 3646, A replaced by G.
Protein change: p.Ser1216Gly; replaces serine 1216 with glycine.
Molecular consequence: missense variant.
Genome position (GRCh38, 1-based): chr2:29,214,081, T>C on the plus strand (A>G on the coding strand, the complement: ALK is on the minus strand). VCF-style: chr2-29214081-T-C. GRCh37 (hg19) VCF-style: chr2-29436947-T-C.
Other names: c.442A>G, p.Ser148Gly (NM_001353765.2); short protein forms S1216G, S148G.
Identifiers: ClinVar variation 947154 (VCV000947154.14), dbSNP rs543229475, ClinGen allele CA1593813.
Genomic context (GRCh38, chr2:29,214,081, plus strand): 5'-CACAGGCAATGTCCCGAGCCACGTGCAGAAGGTCCAGCATGGCCAGGGAGGAGGGCTGGC[T>C]CTGTGGGGAGACAGAAGCGGGCCACTGACGAGGAGCTTGTCAGTGAGAGGAGGGAAATCT-3'
Protein context (NP_004295.2, residues 1206-1226): SFLRETRPRP[Ser1216Gly]QPSSLAMLDL